The following is an entry in ClinVar:

NM_003722.5(TP63):c.1853G>A (p.Arg618Gln)

Gene: TP63 (tumor protein p63; plus strand). Cytogenetic location: 3q28.
Variant type: single nucleotide variant.
Coding change: c.1853G>A on transcript NM_003722.5 (MANE Select); coding-DNA position 1853, G replaced by A.
Protein change: p.Arg618Gln; replaces arginine 618 with glutamine.
Molecular consequence: missense variant. On other transcripts: 3 prime UTR variant (6).
Genome position (GRCh38, 1-based): chr3:189,894,312, G>A. VCF-style: chr3-189894312-G-A. GRCh37 (hg19) VCF-style: chr3-189612101-G-A.
Other names: c.*91G>A (NM_001114978.2, NM_001114981.2); c.1571G>A, p.Arg524Gln (NM_001114980.2); c.*81G>A (NM_001329144.2, NM_001329145.2, NM_001329149.2 and 1 more transcripts); c.1316G>A, p.Arg439Gln (NM_001329146.2); c.1841G>A, p.Arg614Gln (NM_001329148.2); c.1847G>A, p.Arg616Gln (NM_001329964.2); short protein forms R439Q, R614Q, R618Q, R616Q, R524Q.
Identifiers: ClinVar variation 2486891 (VCV002486891.3), dbSNP rs778606951, ClinGen allele CA2752588.

ClinVar aggregate classification (germline): Uncertain significance (1 of 4 stars; one submission).

Conditions:
Inborn genetic diseases. Identifiers: MedGen C0950123, MeSH D030342.

Allele frequency attached by ClinVar (database versions not stated): ExAC 0.00002; gnomAD exomes 0.00001; gnomAD 0.00003; TOPMed 0.00001.
gnomAD v4.1: 14 of 1,613,370 alleles (0.00087%); highest among the groups gnomAD compares: East Asian, 0.0045%; no homozygotes.

Submission:

Ambry Genetics
Classification: Uncertain significance for Inborn genetic diseases. Last evaluated: 2025-10-17. Review status: criteria provided, single submitter. Criteria: Ambry Variant Classification Scheme 2023. Collection method: clinical testing. Allele origin: germline.
Comment: The c.1853G>A (p.R618Q) alteration is located in exon 14 (coding exon 14) of the TP63 gene. This alteration results from a G to A substitution at nucleotide position 1853, causing the arginine (R) at amino acid position 618 to be replaced by a glutamine (Q). Based on data from gnomAD, the A allele has an overall frequency of 0.001% (2/250972) total alleles studied. The highest observed frequency was 0.002% (2/113334) of European (non-Finnish) alleles. Based on insufficient or conflicting evidence, the clinical significance of this alteration remains unclear.